The following is an entry in ClinVar:

ClinVar aggregate classification (germline): Likely pathogenic. Review status: criteria provided, single submitter (1 of 4 stars). 2 submissions from 2 submitters: Likely pathogenic (1). 1 of the submissions does not count toward it. Last evaluated 2025-08-25.

Conditions:
Encephalopathy, lethal, due to defective mitochondrial peroxisomal fission 1. Identifiers: Orphanet 330050, MedGen C3280660, MONDO:0013726, OMIM 614388.

Submissions (2):

Daryl Scott Lab, Baylor College of Medicine
Classification: Likely pathogenic for Encephalopathy, lethal, due to defective mitochondrial peroxisomal fission 1. Last evaluated: 2025-08-25. Review status: criteria provided, single submitter. Criteria: ACMG Guidelines, 2015. Collection method: clinical testing. Allele origin: de novo. Affected: yes. Observed: 1 heterozygote.
Comment: PS2, PM2, PP3

Baylor Genetics
Classification: Likely pathogenic for Encephalopathy, lethal, due to defective mitochondrial peroxisomal fission 1. Last evaluated: 2014-06-23. Review status: no assertion criteria provided. Collection method: clinical testing. Allele origin: de novo. Inheritance: Autosomal dominant inheritance. Affected: yes. Observed: 1 variant allele, 1 heterozygote. Not counted in ClinVar's aggregate classification.
Comment: A de novo missense change in the DNM1L has been reported in an infant with a lethal encephalopathy due to defective mitochondrial and peroxisomal fission [OMIM:614388; PMID: 17460227]. The previously reported patient had a history of diminished fetal movements during pregnancy, and presented with poor feeding and neurologic impairment, including hypotonia, little spontaneous movement, no tendon reflexes, no response to light stimulation, and poor visual fixation, abnormal gyral pattern, dysmyelination, persistent lactic acidemia and mildly elevated plasma concentration of very long-chain fatty acids [PMID: 17460227]. A brain MRI showed microcephaly, simplified gyral pattern, diffuse reduction in the cerebral white matter volume, agenesis of the corpus callosum, marked lateral ventriculomegaly, volume loss and irregularity along the interior cerebellar hemispheres, and a small brainstem.

NM_012062.5(DNM1L):c.1135G>A (p.Glu379Lys)

Gene: DNM1L (dynamin 1 like; plus strand). Cytogenetic location: 12p11.21.
Variant type: single nucleotide variant.
Coding change: c.1135G>A on transcript NM_012062.5 (MANE Select); coding-DNA position 1135, G replaced by A.
Protein change: p.Glu379Lys; replaces glutamic acid 379 with lysine.
Molecular consequence: missense variant.
Genome position (GRCh38, 1-based): chr12:32,731,069, G>A. VCF-style: chr12-32731069-G-A. GRCh37 (hg19) VCF-style: chr12-32884003-G-A.
Other names: c.1135G>A, p.Glu379Lys (NM_001278463.2, NM_005690.5, NM_012063.4); c.1174G>A, p.Glu392Lys (NM_001278464.2, NM_001278465.2, NM_001330380.2); c.526G>A, p.Glu176Lys (NM_001278466.2); short protein forms E379K, E176K, E392K.
Identifiers: ClinVar variation 374321 (VCV000374321.3), dbSNP rs1057518694, ClinGen allele CA16043679.
Genomic context (GRCh38, chr12:32,731,069, plus strand): 5'-TTCAGATGCGGTGGTGCTAGAATTTGTTATATTTTCCATGAGACTTTTGGGCGAACCTTA[G>A]AATCTGTTGATCCACTTGGTGGCCTTAACACTATTGACATTTTGACTGCCATTAGAAATG-3'
Protein context (NP_036192.2, residues 369-389): IFHETFGRTL[Glu379Lys]SVDPLGGLNT